The following is an entry in ClinVar:

ClinVar aggregate classification (germline): Uncertain significance. Review status: criteria provided, multiple submitters, no conflicts (2 of 4 stars). 2 submissions from 2 submitters: Uncertain significance (2). Last evaluated 2019-03-14.

Conditions:
Progressive myoclonic epilepsy. Also called: Myoclonic Epilepsies, Progressive; Myoclonus epilepsy; Familial progressive myoclonic epilepsy; Progressive myoclonus epilepsy. Identifiers: Orphanet 308, Orphanet 98261, MedGen C0751778, MONDO:0020074.

Allele frequency attached by ClinVar (database versions not stated): ExAC 0.00002; gnomAD exomes 0.00001.

Submissions (2):

Labcorp Genetics (formerly Invitae), Labcorp
Classification: Uncertain significance for Progressive myoclonic epilepsy. Last evaluated: 2019-03-14. Review status: criteria provided, single submitter. Criteria: Invitae Variant Classification Sherloc (09022015). Collection method: clinical testing. Allele origin: germline.
Comment: In summary, the available evidence is currently insufficient to determine the role of this variant in disease. Therefore, it has been classified as a Variant of Uncertain Significance. Algorithms developed to predict the effect of missense changes on protein structure and function output the following: SIFT: "Tolerated"; PolyPhen-2: "Benign"; Align-GVGD: "Class C0". The threonine amino acid residue is found in multiple mammalian species, suggesting that this missense change does not adversely affect protein function. These predictions have not been confirmed by published functional studies and their clinical significance is uncertain. This variant has not been reported in the literature in individuals with CSTB-related conditions. ClinVar contains an entry for this variant (Variation ID: 546536). This variant is present in population databases (rs761504637, ExAC 0.006%). This sequence change replaces alanine with threonine at codon 90 of the CSTB protein (p.Ala90Thr). The alanine residue is weakly conserved and there is a small physicochemical difference between alanine and threonine.

GeneDx
Classification: Uncertain significance. Last evaluated: 2018-05-31. Review status: criteria provided, single submitter. Criteria: GeneDx Variant Classification (06012015). Collection method: clinical testing. Allele origin: germline. Affected: yes.
Comment: A variant of uncertain significance has been identified in the CSTB gene. The A90T variant has not been published as a pathogenic variant, nor has it been reported as a benign variant to our knowledge. The A90T variant is not observed at a significant frequency in large population cohorts (Lek et al., 2016). The A90T variant is a non-conservative amino acid substitution, which is likely to impact secondary protein structure as these residues differ in polarity, charge, size and/or other properties. However, in-silico analyses, including protein predictors and evolutionary conservation, support that this variant does not alter protein structure/function. Therefore, based on the currently available information, it is unclear whether this variant is a pathogenic variant or a rare benign variant.

NM_000100.4(CSTB):c.268G>A (p.Ala90Thr)

Gene: CSTB (cystatin B; minus strand). Cytogenetic location: 21q22.3.
Variant type: single nucleotide variant.
Coding change: c.268G>A on transcript NM_000100.4 (MANE Select); coding-DNA position 268, G replaced by A.
Protein change: p.Ala90Thr; replaces alanine 90 with threonine.
Molecular consequence: missense variant.
Genome position (GRCh38, 1-based): chr21:43,774,231, C>T on the plus strand (G>A on the coding strand, the complement: CSTB is on the minus strand). VCF-style: chr21-43774231-C-T. GRCh37 (hg19) VCF-style: chr21-45194112-C-T.
Other names: short protein forms A90T.
Identifiers: ClinVar variation 546536 (VCV000546536.11), dbSNP rs761504637, ClinGen allele CA10048859.
Genomic context (GRCh38, chr21:43,774,231, plus strand): 5'-TCTGGCTGAAGGGCCTTGTCCAAAGTCAGGATCAGAAATAGGTCAGCTCATCATGCTTGG[C>T]TTTGTTGGTCTGGTAGTTAGATAAGGTCAAGGGCTTGTTTTCATGAGGGAGAGATTGGAA-3'
Protein context (NP_000091.1, residues 80-98): LTLSNYQTNK[Ala90Thr]KHDELTYF